The following is an entry in ClinVar:

NM_001458.5(FLNC):c.2248C>G (p.Pro750Ala)

Gene: FLNC (filamin C; plus strand). Cytogenetic location: 7q32.1.
Variant type: single nucleotide variant.
Coding change: c.2248C>G on transcript NM_001458.5 (MANE Select); coding-DNA position 2248, C replaced by G.
Protein change: p.Pro750Ala; replaces proline 750 with alanine.
Molecular consequence: missense variant.
Genome position (GRCh38, 1-based): chr7:128,842,357, C>G. VCF-style: chr7-128842357-C-G. GRCh37 (hg19) VCF-style: chr7-128482411-C-G.
Other names: c.2248C>G, p.Pro750Ala (NM_001127487.2); short protein forms P750A.
Identifiers: ClinVar variation 1038039 (VCV001038039.9), dbSNP rs1808369718, ClinGen allele CA369229545.

ClinVar aggregate classification (germline): Uncertain significance (1 of 4 stars; one submission).

Conditions:
Hypertrophic cardiomyopathy 26. Also called: Cardiomyopathy, familial hypertrophic, 26. Identifiers: Orphanet 75249, MedGen C4310749, MONDO:0014883, OMIM 617047.
Distal myopathy with posterior leg and anterior hand involvement. Also called: WILLIAMS DISTAL MYOPATHY. Identifiers: Orphanet 63273, MedGen C3279722, MONDO:0013550, OMIM 614065.
Myofibrillar myopathy 5. Also called: FILAMINOPATHY, AUTOSOMAL DOMINANT; Filaminopathy (type). Identifiers: Orphanet 171445, MedGen C1836050, MONDO:0012289, OMIM 609524.

Allele frequency attached by ClinVar (database versions not stated): gnomAD exomes below 0.00001; TOPMed below 0.00001.
gnomAD v4.1: 1 of 1,613,524 alleles (0.000062%); highest among the groups gnomAD compares: Non-Finnish European, 0.000085%; no homozygotes.

Submission:

Labcorp Genetics (formerly Invitae), Labcorp
Classification: Uncertain significance for Distal myopathy with posterior leg and anterior hand involvement; Myofibrillar myopathy 5; Hypertrophic cardiomyopathy 26. Last evaluated: 2022-08-29. Review status: criteria provided, single submitter. Criteria: Invitae Variant Classification Sherloc (09022015). Collection method: clinical testing. Allele origin: germline.
Comment: Algorithms developed to predict the effect of missense changes on protein structure and function are either unavailable or do not agree on the potential impact of this missense change (SIFT: "Deleterious"; PolyPhen-2: "Probably Damaging"; Align-GVGD: "Class C0"). In summary, the available evidence is currently insufficient to determine the role of this variant in disease. Therefore, it has been classified as a Variant of Uncertain Significance. ClinVar contains an entry for this variant (Variation ID: 1038039). This variant has not been reported in the literature in individuals affected with FLNC-related conditions. This variant is not present in population databases (gnomAD no frequency). This sequence change replaces proline, which is neutral and non-polar, with alanine, which is neutral and non-polar, at codon 750 of the FLNC protein (p.Pro750Ala).